The following is an entry in ClinVar:

NM_004281.4(BAG3):c.185C>T (p.Thr62Ile)

Gene: BAG3 (BAG cochaperone 3; plus strand). Cytogenetic location: 10q26.11.
Variant type: single nucleotide variant.
Coding change: c.185C>T on transcript NM_004281.4 (MANE Select); coding-DNA position 185, C replaced by T.
Protein change: p.Thr62Ile; replaces threonine 62 with isoleucine.
Molecular consequence: missense variant.
Genome position (GRCh38, 1-based): chr10:119,669,855, C>T. VCF-style: chr10-119669855-C-T. GRCh37 (hg19) VCF-style: chr10-121429367-C-T.
Other names: short protein forms T62I.
Identifiers: ClinVar variation 1040257 (VCV001040257.8), dbSNP rs1847119419, ClinGen allele CA378294609.

ClinVar aggregate classification (germline): Uncertain significance (1 of 4 stars; one submission).

Conditions:
Myofibrillar myopathy 6. Identifiers: Orphanet 199340, MedGen C2751831, MONDO:0013061, OMIM 612954.
Dilated cardiomyopathy 1HH (CMD1HH). Identifiers: Orphanet 154, MedGen C3151293, MONDO:0013479, OMIM 613881.

Allele frequency attached by ClinVar (database versions not stated): gnomAD exomes below 0.00001.
gnomAD v4.1: 1 of 1,614,164 alleles (0.000062%); highest among the groups gnomAD compares: Non-Finnish European, 0.000085%; no homozygotes.

Submission:

Labcorp Genetics (formerly Invitae), Labcorp
Classification: Uncertain significance for Dilated cardiomyopathy 1HH; Myofibrillar myopathy 6. Last evaluated: 2025-12-16. Review status: criteria provided, single submitter. Criteria: Invitae Variant Classification Sherloc (09022015). Collection method: clinical testing. Allele origin: germline.
Comment: This sequence change replaces threonine, which is neutral and polar, with isoleucine, which is neutral and non-polar, at codon 62 of the BAG3 protein (p.Thr62Ile). This variant is not present in population databases (gnomAD no frequency). This variant has not been reported in the literature in individuals affected with BAG3-related conditions. ClinVar contains an entry for this variant (Variation ID: 1040257). An algorithm developed to predict the effect of missense changes on protein structure and function (PolyPhen-2) suggests that this variant is likely to be disruptive. In summary, the available evidence is currently insufficient to determine the role of this variant in disease. Therefore, it has been classified as a Variant of Uncertain Significance.